The following is an entry in ClinVar:

NM_000132.4(F8):c.5219+3A>G

Gene: F8 (coagulation factor VIII; minus strand). Cytogenetic location: Xq28.
Variant type: single nucleotide variant.
Coding change: c.5219+3A>G on transcript NM_000132.4 (MANE Select); 3 bases into the intron after coding-DNA position 5219, A replaced by G.
Molecular consequence: intron variant.
Genome position (GRCh38, 1-based): chrX:154,928,568, T>C on the plus strand (A>G on the coding strand, the complement: F8 is on the minus strand). VCF-style: chrX-154928568-T-C. GRCh37 (hg19) VCF-style: chrX-154156843-T-C.
Identifiers: ClinVar variation 4857627 (VCV004857627.1).

ClinVar aggregate classification (germline): Pathogenic (1 of 4 stars; one submission).

Conditions:
Hereditary factor VIII deficiency disease (HEMA). Also called: HEMOPHILIA, CLASSIC; AUTOSOMAL HEMOPHILIA A; Hemophilia A; Hemophilia A, congenital; HEM A; Factor 8 deficiency, congenital. Identifiers: Orphanet 98878, MedGen C0019069, MONDO:0010602, OMIM 306700.

Submission:

Clinical Genetics Laboratory, Skane University Hospital Lund
Classification: Pathogenic for Hereditary factor VIII deficiency disease. Last evaluated: 2026-07-08. Review status: criteria provided, single submitter. Criteria: ACMG Guidelines, 2015. Collection method: clinical testing. Allele origin: germline. Inheritance: X-linked inheritance. Affected: yes.
Comment: F8 (NM_000132.4) c.5219+3A>G, p.? constitutes a nucleotide substitution in intron 14, which is predicted to likely cause altered splicing of exon 14 of 26, thereby resulting in a truncated protein or loss of protein expression from the allele. F8 c.5219+3A>G has not been detected in males in the general population (gnomAD v.4.1.1) and is not previously reported in ClinVar; however, it is reported in the EAHAD database as a cause of severe/moderate hemophilia A (including PMID:17445092, 2105906, 29296726, 18387975, 25503412). The variant has been classified as pathogenic using gene-specific criteria (ClinGen Coagulation Factor Deficiency Expert Panel Specifications to the ACMG/AMP Variant Interpretation Guidelines for F8 Version 2.0.0): PS4_Very Strong, PM2_Supporting, PP3.

Literature cited by the submitters: PubMed 17445092; PubMed 2105906; PubMed 29296726; PubMed 18387975; PubMed 25503412.